The following is an entry in ClinVar:

ClinVar aggregate classification (germline): Likely benign (0 of 4 stars; one submission).

Conditions:
CABIN1-related disorder. Also called: CABIN1-related condition.

Allele frequency attached by ClinVar (database versions not stated): gnomAD 0.00008; TOPMed 0.00011; gnomAD exomes 0.00016; ExAC 0.00022.
gnomAD v4.1: 260 of 1,613,422 alleles (0.016%); highest among the groups gnomAD compares: Middle Eastern, 0.28%; 2 homozygotes.

Submission:

PreventionGenetics, part of Exact Sciences
Classification: Likely benign for CABIN1-related condition. Last evaluated: 2019-07-11. Review status: no assertion criteria provided. Collection method: clinical testing. Allele origin: germline.
Comment: This variant is classified as likely benign based on ACMG/AMP sequence variant interpretation guidelines (Richards et al. 2015 PMID: 25741868, with internal and published modifications).

NM_012295.4(CABIN1):c.6520-5C>T

Gene: CABIN1 (calcineurin binding protein 1; plus strand). Cytogenetic location: 22q11.23.
Variant type: single nucleotide variant.
Coding change: c.6520-5C>T on transcript NM_012295.4 (MANE Select); 5 bases into the intron before coding-DNA position 6520, C replaced by T.
Molecular consequence: intron variant.
Genome position (GRCh38, 1-based): chr22:24,178,048, C>T. VCF-style: chr22-24178048-C-T. GRCh37 (hg19) VCF-style: chr22-24574016-C-T.
Other names: c.6370-5C>T (NM_001201429.2); c.6520-5C>T (NM_001199281.1).
Identifiers: ClinVar variation 3042405 (VCV003042405.2), dbSNP rs757375218, ClinGen allele CA10150068.